The following is an entry in ClinVar:

NM_199355.4(ADAMTS18):c.3418G>A (p.Gly1140Arg)

Genes: ADAMTS18 (ADAM metallopeptidase with thrombospondin type 1 motif 18; minus strand), LOC126862407 (CDK7 strongly-dependent group 2 enhancer GRCh37_chr16:77322970-77324169; plus strand). Cytogenetic location: 16q23.1.
Variant type: single nucleotide variant.
Coding change: c.3418G>A on transcript NM_199355.4 (MANE Select); coding-DNA position 3418, G replaced by A.
Protein change: p.Gly1140Arg; replaces glycine 1140 with arginine.
Molecular consequence: missense variant.
Genome position (GRCh38, 1-based): chr16:77,289,396, C>T on the plus strand (G>A on the coding strand, the complement: ADAMTS18 is on the minus strand). VCF-style: chr16-77289396-C-T. GRCh37 (hg19) VCF-style: chr16-77323293-C-T.
Other names: c.2902G>A, p.Gly968Arg (NM_001326358.2); short protein forms G1140R, G968R.
Identifiers: ClinVar variation 836785 (VCV000836785.8), dbSNP rs751775332, ClinGen allele CA396830741.

ClinVar aggregate classification (germline): Uncertain significance (1 of 4 stars; one submission).

gnomAD v4.1: 8 of 1,614,062 alleles (0.0005%); highest among the groups gnomAD compares: Non-Finnish European, 0.00059%; no homozygotes.

Submission:

Labcorp Genetics (formerly Invitae), Labcorp
Classification: Uncertain significance. Last evaluated: 2020-10-08. Review status: criteria provided, single submitter. Criteria: Invitae Variant Classification Sherloc (09022015). Collection method: clinical testing. Allele origin: germline.
Comment: This sequence change replaces glycine with arginine at codon 1140 of the ADAMTS18 protein (p.Gly1140Arg). The glycine residue is highly conserved and there is a moderate physicochemical difference between glycine and arginine. This variant is not present in population databases (ExAC no frequency). This variant has not been reported in the literature in individuals with ADAMTS18-related conditions. Algorithms developed to predict the effect of missense changes on protein structure and function are either unavailable or do not agree on the potential impact of this missense change (SIFT: "Deleterious"; PolyPhen-2: "Probably Damaging"; Align-GVGD: "Class C0"). In summary, the available evidence is currently insufficient to determine the role of this variant in disease. Therefore, it has been classified as a Variant of Uncertain Significance.